The following is an entry in ClinVar:

ClinVar aggregate classification (germline): Uncertain significance (1 of 4 stars; one submission).

Conditions:
Familial adenomatous polyposis 1 (FAP1). Also called: FAMILIAL ADENOMATOUS POLYPOSIS 1, ATTENUATED; POLYPOSIS, ADENOMATOUS INTESTINAL. Identifiers: MedGen C2713442, MONDO:0021056, OMIM 175100. Disease mechanism: loss of function.

Submission:

Labcorp Genetics (formerly Invitae), Labcorp
Classification: Uncertain significance for Familial adenomatous polyposis 1. Last evaluated: 2022-02-28. Review status: criteria provided, single submitter. Criteria: Invitae Variant Classification Sherloc (09022015). Collection method: clinical testing. Allele origin: germline.
Comment: In summary, the available evidence is currently insufficient to determine the role of this variant in disease. Therefore, it has been classified as a Variant of Uncertain Significance. Experimental studies and prediction algorithms are not available or were not evaluated, and the functional significance of this variant is currently unknown. This variant has not been reported in the literature in individuals affected with APC-related conditions. This variant is not present in population databases (gnomAD no frequency). This variant occurs in a non-coding region of the APC gene. It does not change the encoded amino acid sequence of the APC protein.

NC_000005.10:g.112707422C>T

Gene: APC (APC regulator of Wnt signaling pathway; plus strand). Cytogenetic location: 5q22.2.
Variant type: single nucleotide variant.
Genome position: GRCh38 VCF-style: chr5-112707422-C-T. GRCh37 (hg19) VCF-style: chr5-112043119-C-T.
Identifiers: ClinVar variation 2104613 (VCV002104613.5), dbSNP rs1750559277, ClinGen allele CA2580072239.